The following is an entry in ClinVar:

NM_005045.4(RELN):c.9627C>G (p.Ile3209Met)

Genes: RELN (reelin; minus strand), SLC26A5-AS1 (SLC26A5 antisense RNA 1; plus strand), LOC126860130 (BRD4-independent group 4 enhancer GRCh37_chr7:103130126-103131325; plus strand). Cytogenetic location: 7q22.1.
Variant type: single nucleotide variant.
Coding change: c.9627C>G on transcript NM_005045.4 (MANE Select); coding-DNA position 9627, C replaced by G.
Protein change: p.Ile3209Met; replaces isoleucine 3209 with methionine.
Molecular consequence: missense variant.
Genome position (GRCh38, 1-based): chr7:103,489,878, G>C on the plus strand (C>G on the coding strand, the complement: RELN is on the minus strand). VCF-style: chr7-103489878-G-C. GRCh37 (hg19) VCF-style: chr7-103130325-G-C.
Other names: c.9627C>G, p.Ile3209Met (NM_173054.3); short protein forms I3209M.
Identifiers: ClinVar variation 4794670 (VCV004794670.2).

ClinVar aggregate classification (germline): Uncertain significance. Review status: criteria provided, multiple submitters, no conflicts (2 of 4 stars). 2 submissions from 2 submitters: Uncertain significance (2). Last evaluated 2025-08-12.

Conditions:
Norman-Roberts syndrome (LIS2). Also called: Lissencephaly 2 (Norman-Roberts type). Identifiers: Orphanet 89844, MedGen C0796089, MONDO:0009760, OMIM 257320.
Familial temporal lobe epilepsy 7. Identifiers: Orphanet 101046, MedGen C4225327, MONDO:0014639, OMIM 616436.

gnomAD v4.1: 8 of 1,614,036 alleles (0.0005%); highest among the groups gnomAD compares: Non-Finnish European, 0.00068%; no homozygotes.

Submissions (2):

Labcorp Genetics (formerly Invitae), Labcorp
Classification: Uncertain significance for Familial temporal lobe epilepsy 7; Norman-Roberts syndrome. Last evaluated: 2025-08-12. Review status: criteria provided, single submitter. Criteria: Invitae Variant Classification Sherloc (09022015). Collection method: clinical testing. Allele origin: germline.
Comment: This sequence change replaces isoleucine, which is neutral and non-polar, with methionine, which is neutral and non-polar, at codon 3209 of the RELN protein (p.Ile3209Met). This variant is present in population databases (rs779071169, gnomAD 0.002%). This variant has not been reported in the literature in individuals affected with RELN-related conditions. Invitae Evidence Modeling of protein sequence and biophysical properties (such as structural, functional, and spatial information, amino acid conservation, physicochemical variation, residue mobility, and thermodynamic stability) indicates that this missense variant is not expected to disrupt RELN protein function with a negative predictive value of 80%. In summary, the available evidence is currently insufficient to determine the role of this variant in disease. Therefore, it has been classified as a Variant of Uncertain Significance.

Blueprint Genetics
Classification: Uncertain significance. Last evaluated: 2023-06-29. Review status: criteria provided, single submitter. Criteria: ACMG Guidelines, 2015. Collection method: clinical testing. Allele origin: germline.